The following is an entry in ClinVar:

ClinVar aggregate classification (germline): Uncertain significance (1 of 4 stars; one submission).

Conditions:
RHOBTB2-related disorder. Also called: RHOBTB2-related condition.

Allele frequency attached by ClinVar (database versions not stated): gnomAD exomes below 0.00001.
gnomAD v4.1: 1 of 1,614,208 alleles (0.000062%); highest among the groups gnomAD compares: Non-Finnish European, 0.000085%; no homozygotes.

Submission:

PreventionGenetics, part of Exact Sciences
Classification: Uncertain significance for RHOBTB2-related condition. Last evaluated: 2022-08-18. Review status: criteria provided, single submitter. Criteria: ACMG Guidelines, 2015. Collection method: clinical testing. Allele origin: germline.
Comment: The RHOBTB2 c.1423G>C variant is predicted to result in the amino acid substitution p.Glu475Gln. To our knowledge, this variant has not been reported in the literature or in a large population database, indicating it is rare. This variant occurs in the BTB-domain, where neighboring missense variants (e.g. p.Ala474Gly) have been reported with de novo occurrence in individuals with developmental and epileptic encephalopathy (Straub et al. 2018. PubMed ID: 29276004). At this time, the clinical significance of the c.1423G>C (p.Glu475Gln) variant is uncertain due to the absence of conclusive functional and genetic evidence.

NM_015178.3(RHOBTB2):c.1357G>C (p.Glu453Gln)

Gene: RHOBTB2 (Rho related BTB domain containing 2; plus strand). Cytogenetic location: 8p21.3.
Variant type: single nucleotide variant.
Coding change: c.1357G>C on transcript NM_015178.3 (MANE Select); coding-DNA position 1357, G replaced by C.
Protein change: p.Glu453Gln; replaces glutamic acid 453 with glutamine.
Molecular consequence: missense variant.
Genome position (GRCh38, 1-based): chr8:23,007,602, G>C. VCF-style: chr8-23007602-G-C. GRCh37 (hg19) VCF-style: chr8-22865115-G-C.
Other names: c.1423G>C, p.Glu475Gln (NM_001160036.2); c.1378G>C, p.Glu460Gln (NM_001160037.2); c.1357G>C, p.Glu453Gln (NM_001374791.1); short protein forms E453Q, E460Q, E475Q.
Identifiers: ClinVar variation 2636269 (VCV002636269.1), dbSNP rs2487013808, ClinGen allele CA370568635.